The following is an entry in ClinVar:

ClinVar aggregate classification (germline): Pathogenic (1 of 4 stars; one submission).

Conditions:
Beckwith-Wiedemann syndrome (BWS). Also called: EMG SYNDROME; Exomphalos macroglossia gigantism syndrome. Identifiers: Orphanet 116, MedGen C0004903, MONDO:0007534, OMIM 130650.

Submission:

Labcorp Genetics (formerly Invitae), Labcorp
Classification: Pathogenic for Beckwith-Wiedemann syndrome. Last evaluated: 2022-04-12. Review status: criteria provided, single submitter. Criteria: Invitae Variant Classification Sherloc (09022015). Collection method: clinical testing. Allele origin: germline.
Comment: For these reasons, this variant has been classified as Pathogenic. This variant has not been reported in the literature in individuals affected with CDKN1C-related conditions. The frequency data for this variant in the population databases is considered unreliable, as metrics indicate insufficient coverage at this position in the gnomAD database. This sequence change creates a premature translational stop signal (p.Pro182Argfs*90) in the CDKN1C gene. It is expected to result in an absent or disrupted protein product. Loss-of-function variants in CDKN1C are known to be pathogenic (PMID: 20503313).

Literature cited by the submitters: PubMed 20503313.

NM_001122630.2(CDKN1C):c.512del (p.Pro171fs)

Gene: CDKN1C (cyclin dependent kinase inhibitor 1C; minus strand). Cytogenetic location: 11p15.4.
Variant type: Deletion.
Coding change: c.512del on transcript NM_001122630.2 (MANE Select); coding-DNA position 512, one base deleted (C; older notation c.512delC).
Protein change: p.Pro171fs; shifts the reading frame from proline 171.
Molecular consequence: frameshift variant. On other transcripts: intron variant (1).
Genome position (GRCh38, 1-based): chr11:2,884,945, G deleted on the plus strand (C on the coding strand, the reverse complement: CDKN1C is on the minus strand); the first of 4 consecutive G bases (chr11:2,884,945-2,884,948); deleting any one gives the same sequence. VCF-style (leftmost placement, unchanged base first): chr11-2884944-CG-C. GRCh37 (hg19) VCF-style: chr11-2906174-CG-C.
Other names: c.545del, p.Pro182fs (NM_000076.2, NM_001362474.2); c.512del, p.Pro171fs (NM_001122631.2); c.255+257del (NM_001362475.2); short protein forms P171fs, P182fs.
Identifiers: ClinVar variation 2125348 (VCV002125348.4), dbSNP rs2494386964, ClinGen allele CA2574728701.